The following is an entry in ClinVar:

NM_025081.3(NYNRIN):c.3471G>C (p.Gln1157His)

Gene: NYNRIN (NYN domain and retroviral integrase containing; plus strand). Cytogenetic location: 14q12.
Variant type: single nucleotide variant.
Coding change: c.3471G>C on transcript NM_025081.3 (MANE Select); coding-DNA position 3471, G replaced by C.
Protein change: p.Gln1157His; replaces glutamine 1157 with histidine.
Molecular consequence: missense variant.
Genome position (GRCh38, 1-based): chr14:24,415,220, G>C. VCF-style: chr14-24415220-G-C. GRCh37 (hg19) VCF-style: chr14-24884426-G-C.
Other names: short protein forms Q1157H.
Identifiers: ClinVar variation 2226121 (VCV002226121.5), dbSNP rs200952720, ClinGen allele CA7137247.

ClinVar aggregate classification (germline): Uncertain significance. Review status: criteria provided, multiple submitters, no conflicts (2 of 4 stars). 2 submissions from 2 submitters: Uncertain significance (2). Last evaluated 2025-08-27.

Allele frequency attached by ClinVar (database versions not stated): TOPMed 0.00004; ExAC 0.00007; gnomAD 0.00007; gnomAD exomes 0.00007; 1000 Genomes Project 30x 0.00016; ESP Exome Variant Server 0.00016; 1000 Genomes Project 0.00020.
gnomAD v4.1: 112 of 1,612,504 alleles (0.0069%); highest among the groups gnomAD compares: Non-Finnish European, 0.009%; no homozygotes.

Submissions (2):

Ambry Genetics
Classification: Uncertain significance. Last evaluated: 2025-08-27. Review status: criteria provided, single submitter. Criteria: Ambry Variant Classification Scheme 2023. Collection method: clinical testing. Allele origin: germline.

Labcorp Genetics (formerly Invitae), Labcorp
Classification: Uncertain significance. Last evaluated: 2024-02-01. Review status: criteria provided, single submitter. Criteria: Invitae Variant Classification Sherloc (09022015). Collection method: clinical testing. Allele origin: germline.
Comment: This sequence change replaces glutamine, which is neutral and polar, with histidine, which is basic and polar, at codon 1157 of the NYNRIN protein (p.Gln1157His). This variant is present in population databases (rs200952720, gnomAD 0.009%). This variant has not been reported in the literature in individuals affected with NYNRIN-related conditions. ClinVar contains an entry for this variant (Variation ID: 2226121). In summary, the available evidence is currently insufficient to determine the role of this variant in disease. Therefore, it has been classified as a Variant of Uncertain Significance.